The following is an entry in ClinVar:

NM_001369268.1(ACAN):c.1052-3T>C

Gene: ACAN (aggrecan; plus strand). Cytogenetic location: 15q26.1.
Variant type: single nucleotide variant.
Coding change: c.1052-3T>C on transcript NM_001369268.1 (MANE Select); 3 bases into the intron before coding-DNA position 1052, T replaced by C.
Molecular consequence: intron variant.
Genome position (GRCh38, 1-based): chr15:88,845,502, T>C. VCF-style: chr15-88845502-T-C. GRCh37 (hg19) VCF-style: chr15-89388733-T-C.
Other names: c.1052-3T>C (NM_013227.4, NM_001411097.1, NM_001411096.1 and 1 more transcripts).
Identifiers: ClinVar variation 4780377 (VCV004780377.1).

ClinVar aggregate classification (germline): Uncertain significance (1 of 4 stars; one submission).

gnomAD v4.1: 5 of 1,597,142 alleles (0.00031%); highest among the groups gnomAD compares: Non-Finnish European, 0.00043%; no homozygotes.

Submission:

Labcorp Genetics (formerly Invitae), Labcorp
Classification: Uncertain significance. Last evaluated: 2025-06-01. Review status: criteria provided, single submitter. Criteria: Invitae Variant Classification Sherloc (09022015). Collection method: clinical testing. Allele origin: germline.
Comment: This sequence change falls in intron 6 of the ACAN gene. It does not directly change the encoded amino acid sequence of the ACAN protein. It affects a nucleotide within the consensus splice site. This variant is not present in population databases (gnomAD no frequency). This variant has not been reported in the literature in individuals affected with ACAN-related conditions. Variants that disrupt the consensus splice site are a relatively common cause of aberrant splicing (PMID: 17576681, 9536098). Algorithms developed to predict the effect of sequence changes on RNA splicing suggest that this variant is not likely to affect RNA splicing. In summary, the available evidence is currently insufficient to determine the role of this variant in disease. Therefore, it has been classified as a Variant of Uncertain Significance.

Literature cited by the submitters: PubMed 17576681; PubMed 9536098.